The following is an entry in ClinVar:

NM_206933.4(USH2A):c.13700T>G (p.Leu4567Arg)

Gene: USH2A (usherin; minus strand). Cytogenetic location: 1q41.
Variant type: single nucleotide variant.
Coding change: c.13700T>G on transcript NM_206933.4 (MANE Select); coding-DNA position 13700, T replaced by G.
Protein change: p.Leu4567Arg; replaces leucine 4567 with arginine.
Molecular consequence: missense variant.
Genome position (GRCh38, 1-based): chr1:215,674,211, A>C on the plus strand (T>G on the coding strand, the complement: USH2A is on the minus strand). VCF-style: chr1-215674211-A-C. GRCh37 (hg19) VCF-style: chr1-215847553-A-C.
Other names: short protein forms L4567R.
Identifiers: ClinVar variation 963683 (VCV000963683.9), dbSNP rs1237653705, ClinGen allele CA344843812.

ClinVar aggregate classification (germline): Uncertain significance (1 of 4 stars; one submission).

Allele frequency attached by ClinVar (database versions not stated): gnomAD exomes below 0.00001.
gnomAD v4.1: 3 of 1,614,146 alleles (0.00019%); highest among the groups gnomAD compares: South Asian, 0.0022%; no homozygotes.

Submission:

Labcorp Genetics (formerly Invitae), Labcorp
Classification: Uncertain significance. Last evaluated: 2022-03-10. Review status: criteria provided, single submitter. Criteria: Invitae Variant Classification Sherloc (09022015). Collection method: clinical testing. Allele origin: germline.
Comment: In summary, the available evidence is currently insufficient to determine the role of this variant in disease. Therefore, it has been classified as a Variant of Uncertain Significance. This sequence change replaces leucine, which is neutral and non-polar, with arginine, which is basic and polar, at codon 4567 of the USH2A protein (p.Leu4567Arg). This variant is present in population databases (no rsID available, gnomAD 0.003%). This variant has not been reported in the literature in individuals affected with USH2A-related conditions. ClinVar contains an entry for this variant (Variation ID: 963683). Algorithms developed to predict the effect of missense changes on protein structure and function (SIFT, PolyPhen-2, Align-GVGD) all suggest that this variant is likely to be disruptive.